The following is an entry in ClinVar:

NM_000179.3(MSH6):c.2869A>G (p.Lys957Glu)

Gene: MSH6 (mutS homolog 6; plus strand). Cytogenetic location: 2p16.3.
Variant type: single nucleotide variant.
Coding change: c.2869A>G on transcript NM_000179.3 (MANE Select); coding-DNA position 2869, A replaced by G.
Protein change: p.Lys957Glu; replaces lysine 957 with glutamic acid.
Molecular consequence: missense variant.
Genome position (GRCh38, 1-based): chr2:47,800,852, A>G. VCF-style: chr2-47800852-A-G. GRCh37 (hg19) VCF-style: chr2-48027991-A-G.
Other names: c.2479A>G, p.Lys827Glu (NM_001281492.2); c.1963A>G, p.Lys655Glu (NM_001281493.2, NM_001281494.2); short protein forms K957E, K655E, K827E.
Identifiers: ClinVar variation 234850 (VCV000234850.14), dbSNP rs876661255, ClinGen allele CA10577280.

ClinVar aggregate classification (germline): Uncertain significance. Review status: criteria provided, multiple submitters, no conflicts (2 of 4 stars). 4 submissions from 4 submitters: Uncertain significance (4). Last evaluated 2026-04-02.

Conditions:
Hereditary nonpolyposis colorectal neoplasms. Identifiers: MedGen C0009405, MeSH D003123.
Hereditary cancer-predisposing syndrome. Also called: Tumor predisposition; Neoplastic Syndromes, Hereditary; Hereditary Cancer Syndrome; Hereditary neoplastic syndrome. Identifiers: Orphanet 140162, MedGen C0027672, MeSH D009386, MONDO:0015356.

Submissions (4):

Women's Health and Genetics/Laboratory Corporation of America, LabCorp
Classification: Uncertain significance. Last evaluated: 2026-04-02. Review status: criteria provided, single submitter. Criteria: LabCorp Variant Classification Summary - May 2015. Collection method: clinical testing. Allele origin: germline.

Ambry Genetics
Classification: Uncertain significance for Hereditary cancer-predisposing syndrome. Last evaluated: 2025-11-24. Review status: criteria provided, single submitter. Criteria: Ambry Variant Classification Scheme 2023. Collection method: clinical testing. Allele origin: germline.
Comment: The p.K957E variant (also known as c.2869A>G), located in coding exon 4 of the MSH6 gene, results from an A to G substitution at nucleotide position 2869. The lysine at codon 957 is replaced by glutamic acid, an amino acid with similar properties. This amino acid position is not well conserved in available vertebrate species. In addition, the in silico prediction for this alteration is inconclusive. Based on the available evidence, the clinical significance of this variant remains unclear.

Labcorp Genetics (formerly Invitae), Labcorp
Classification: Uncertain significance for Hereditary nonpolyposis colorectal neoplasms. Last evaluated: 2024-05-07. Review status: criteria provided, single submitter. Criteria: Invitae Variant Classification Sherloc (09022015). Collection method: clinical testing. Allele origin: germline.
Comment: This sequence change replaces lysine, which is basic and polar, with glutamic acid, which is acidic and polar, at codon 957 of the MSH6 protein (p.Lys957Glu). This variant is not present in population databases (gnomAD no frequency). This variant has not been reported in the literature in individuals affected with MSH6-related conditions. ClinVar contains an entry for this variant (Variation ID: 234850). Advanced modeling of protein sequence and biophysical properties (such as structural, functional, and spatial information, amino acid conservation, physicochemical variation, residue mobility, and thermodynamic stability) performed at Invitae indicates that this missense variant is not expected to disrupt MSH6 protein function with a negative predictive value of 95%. In summary, the available evidence is currently insufficient to determine the role of this variant in disease. Therefore, it has been classified as a Variant of Uncertain Significance.

GeneDx
Classification: Uncertain significance. Last evaluated: 2016-02-18. Review status: criteria provided, single submitter. Criteria: GeneDx Variant Classification (06012015). Collection method: clinical testing. Allele origin: germline. Affected: yes.
Comment: This variant is denoted MSH6 c.2869A>G at the cDNA level, p.Lys957Glu (K957E) at the protein level, and results in the change of a Lysine to a Glutamic Acid (AAA>GAA). This variant has not, to our knowledge, been published in the literature as pathogenic or benign. MSH6 Lys957Glu was not observed in approximately 6,500 individuals of European and African American ancestry in the NHLBI Exome Sequencing Project, suggesting it is not a common benign variant in these populations. Since Lysine and Glutamic Acid differ in polarity, charge, size or other properties, this is considered a non-conservative amino acid substitution. MSH6 Lys957Glu occurs at a position that is conserved in mammals and is located in domain IV of the MutS domain (Terui 2013). In silico analyses are inconsistent regarding the effect this variant may have on protein structure and function. Based on currently available evidence, it is unclear whether MSH6 Lys957Glu is a pathogenic or benign variant. We consider it to be a variant of uncertain significance.